The following is an entry in ClinVar:

ClinVar aggregate classification (germline): Uncertain significance (1 of 4 stars; one submission).

Conditions:
Severe myoclonic epilepsy in infancy (DRVT). Also called: DEVELOPMENTAL AND EPILEPTIC ENCEPHALOPATHY 6A; Severe Myoclonic Epilepsy in Infancy (SMEI); Dravet syndrome; Epileptic encephalopathy, early infantile, 6 (Dravet syndrome); SEVERE MYOCLONIC EPILEPSY OF INFANCY. Identifiers: Orphanet 33069, MedGen C0751122, MONDO:0100135, OMIM 607208.

gnomAD v4.1: 1 of 1,613,766 alleles (0.000062%); highest among the groups gnomAD compares: South Asian, 0.0011%; no homozygotes.

Submission:

Labcorp Genetics (formerly Invitae), Labcorp
Classification: Uncertain significance for Severe myoclonic epilepsy in infancy. Last evaluated: 2021-12-02. Review status: criteria provided, single submitter. Criteria: Invitae Variant Classification Sherloc (09022015). Collection method: clinical testing. Allele origin: germline.
Comment: In summary, the available evidence is currently insufficient to determine the role of this variant in disease. Therefore, it has been classified as a Variant of Uncertain Significance. Algorithms developed to predict the effect of missense changes on protein structure and function are either unavailable or do not agree on the potential impact of this missense change (SIFT: "Deleterious"; PolyPhen-2: "Benign"; Align-GVGD: "Class C0"). This variant has not been reported in the literature in individuals affected with SNX27-related conditions. This variant is not present in population databases (gnomAD no frequency). This sequence change replaces histidine, which is basic and polar, with arginine, which is basic and polar, at codon 454 of the SNX27 protein (p.His454Arg).

NM_001330723.2(SNX27):c.1361A>G (p.His454Arg)

Gene: SNX27 (sorting nexin 27; plus strand). Cytogenetic location: 1q21.3.
Variant type: single nucleotide variant.
Coding change: c.1361A>G on transcript NM_001330723.2 (MANE Select); coding-DNA position 1361, A replaced by G.
Protein change: p.His454Arg; replaces histidine 454 with arginine.
Molecular consequence: missense variant.
Genome position (GRCh38, 1-based): chr1:151,692,556, A>G. VCF-style: chr1-151692556-A-G. GRCh37 (hg19) VCF-style: chr1-151665032-A-G.
Other names: c.1361A>G, p.His454Arg (NM_030918.6); short protein forms H454R.
Identifiers: ClinVar variation 1372789 (VCV001372789.6), dbSNP rs2102743022, ClinGen allele CA341972406.